The following is an entry in ClinVar:

NM_001048174.2(MUTYH):c.854A>G (p.Glu285Gly)

Gene: MUTYH (mutY DNA glycosylase; minus strand). Cytogenetic location: 1p34.1.
Variant type: single nucleotide variant.
Coding change: c.854A>G on transcript NM_001048174.2 (MANE Select); coding-DNA position 854, A replaced by G.
Protein change: p.Glu285Gly; replaces glutamic acid 285 with glycine.
Molecular consequence: missense variant. On other transcripts: non-coding transcript variant (7).
Genome position (GRCh38, 1-based): chr1:45,332,082, T>C on the plus strand (A>G on the coding strand, the complement: MUTYH is on the minus strand). VCF-style: chr1-45332082-T-C. GRCh37 (hg19) VCF-style: chr1-45797754-T-C.
Other names: c.854A>G, p.Glu285Gly (NM_001048171.2, NM_001048173.2, NM_001407073.1 and 6 more transcripts); c.857A>G, p.Glu286Gly (NM_001048172.2, NM_001407071.1, NM_001407078.1 and 1 more transcripts); c.887A>G, p.Glu296Gly (NM_001407069.1, NM_001407077.1, NM_001293191.2); c.770A>G, p.Glu257Gly (NM_001407075.1); c.938A>G, p.Glu313Gly (NM_001128425.2); c.899A>G, p.Glu300Gly (NM_001293190.2); c.578A>G, p.Glu193Gly (NM_001293192.2, NM_001293196.2, NM_001407091.1); c.509A>G, p.Glu170Gly (NM_001350650.2, NM_001350651.2, NM_001407082.1); and 5 more; short protein forms E170G, E193G, E272G, E286G, E310G, E285G, E296G, E257G.
Identifiers: ClinVar variation 4113920 (VCV004113920.1).

ClinVar aggregate classification (germline): Uncertain significance (1 of 4 stars; one submission).

Conditions:
Hereditary cancer-predisposing syndrome. Also called: Hereditary neoplastic syndrome; Neoplastic Syndromes, Hereditary; Tumor predisposition; Hereditary Cancer Syndrome. Identifiers: Orphanet 140162, MedGen C0027672, MeSH D009386, MONDO:0015356.

gnomAD v4.1: 1 of 1,614,182 alleles (0.000062%); highest among the groups gnomAD compares: Non-Finnish European, 0.000085%; no homozygotes.

Submission:

Ambry Genetics
Classification: Uncertain significance for Hereditary cancer-predisposing syndrome. Last evaluated: 2025-08-27. Review status: criteria provided, single submitter. Criteria: Ambry Variant Classification Scheme 2023. Collection method: clinical testing. Allele origin: germline.
Comment: The p.E313G variant (also known as c.938A>G), located in coding exon 11 of the MUTYH gene, results from an A to G substitution at nucleotide position 938. The glutamic acid at codon 313 is replaced by glycine, an amino acid with similar properties. This amino acid position is conserved. In addition, this alteration is predicted to be tolerated by in silico analysis. Based on the available evidence, the clinical significance of this variant remains unclear.